The following is an entry in ClinVar:

NM_004136.4(IREB2):c.2795A>G (p.Lys932Arg)

Gene: IREB2 (iron responsive element binding protein 2; plus strand). Cytogenetic location: 15q25.1.
Variant type: single nucleotide variant.
Coding change: c.2795A>G on transcript NM_004136.4 (MANE Select); coding-DNA position 2795, A replaced by G.
Protein change: p.Lys932Arg; replaces lysine 932 with arginine.
Molecular consequence: missense variant.
Genome position (GRCh38, 1-based): chr15:78,498,046, A>G. VCF-style: chr15-78498046-A-G. GRCh37 (hg19) VCF-style: chr15-78790388-A-G.
Other names: c.2795A>G (NM_004136.2); c.2045A>G, p.Lys682Arg (NM_001320941.2); c.2624A>G, p.Lys875Arg (NM_001320942.2, NM_001354994.2); short protein forms K682R, K932R, K875R.
Identifiers: ClinVar variation 1946322 (VCV001946322.6), dbSNP rs772960000, ClinGen allele CA7683343.

ClinVar aggregate classification (germline): Uncertain significance. Review status: criteria provided, multiple submitters, no conflicts (2 of 4 stars). 2 submissions from 2 submitters: Uncertain significance (2). Last evaluated 2025-08-24.

Conditions:
Inborn genetic diseases. Identifiers: MedGen C0950123, MeSH D030342.

Allele frequency attached by ClinVar (database versions not stated): gnomAD exomes below 0.00001; TOPMed below 0.00001; ExAC 0.00001.
gnomAD v4.1: 3 of 1,609,312 alleles (0.00019%); highest among the groups gnomAD compares: Admixed American, 0.0033%; no homozygotes.

Submissions (2):

Ambry Genetics
Classification: Uncertain significance for Inborn genetic diseases. Last evaluated: 2025-08-24. Review status: criteria provided, single submitter. Criteria: Ambry Variant Classification Scheme 2023. Collection method: clinical testing. Allele origin: germline.

Labcorp Genetics (formerly Invitae), Labcorp
Classification: Uncertain significance. Last evaluated: 2022-03-01. Review status: criteria provided, single submitter. Criteria: Invitae Variant Classification Sherloc (09022015). Collection method: clinical testing. Allele origin: germline.
Comment: This sequence change replaces lysine, which is basic and polar, with arginine, which is basic and polar, at codon 932 of the IREB2 protein (p.Lys932Arg). In summary, the available evidence is currently insufficient to determine the role of this variant in disease. Therefore, it has been classified as a Variant of Uncertain Significance. Algorithms developed to predict the effect of missense changes on protein structure and function are either unavailable or do not agree on the potential impact of this missense change (SIFT: "Not Available"; PolyPhen-2: "Benign"; Align-GVGD: "Not Available"). This variant has not been reported in the literature in individuals affected with IREB2-related conditions. This variant is present in population databases (rs772960000, gnomAD 0.003%).